The following is an entry in ClinVar:

ClinVar aggregate classification (germline): Uncertain significance (1 of 4 stars; one submission).

Conditions:
Hereditary cancer-predisposing syndrome. Also called: Neoplastic Syndromes, Hereditary; Tumor predisposition; Hereditary Cancer Syndrome; Hereditary neoplastic syndrome. Identifiers: Orphanet 140162, MedGen C0027672, MeSH D009386, MONDO:0015356.

Submission:

Ambry Genetics
Classification: Uncertain significance for Hereditary cancer-predisposing syndrome. Last evaluated: 2025-12-14. Review status: criteria provided, single submitter. Criteria: Ambry Variant Classification Scheme 2023. Collection method: clinical testing. Allele origin: germline.
Comment: The p.K452Q variant (also known as c.1354A>C), located in coding exon 9 of the RAD50 gene, results from an A to C substitution at nucleotide position 1354. The lysine at codon 452 is replaced by glutamine, an amino acid with similar properties. This amino acid position is conserved. In addition, this alteration is predicted to be tolerated by in silico analysis. Based on the available evidence, the clinical significance of this variant remains unclear.

NM_005732.4(RAD50):c.1354A>C (p.Lys452Gln)

Gene: RAD50 (RAD50 double strand break repair protein; plus strand). Cytogenetic location: 5q31.1.
Variant type: single nucleotide variant.
Coding change: c.1354A>C on transcript NM_005732.4 (MANE Select); coding-DNA position 1354, A replaced by C.
Protein change: p.Lys452Gln; replaces lysine 452 with glutamine.
Molecular consequence: missense variant.
Genome position (GRCh38, 1-based): chr5:132,589,739, A>C. VCF-style: chr5-132589739-A-C. GRCh37 (hg19) VCF-style: chr5-131925431-A-C.
Other names: short protein forms K452Q.
Identifiers: ClinVar variation 4678304 (VCV004678304.1).